The following is an entry in ClinVar:

NM_006929.5(SKIC2):c.1131C>T (p.Phe377=)

Genes: SKIC2 (SKI2 subunit of superkiller complex; plus strand), LOC126859653 (CDK7 strongly-dependent group 2 enhancer GRCh37_chr6:31929542-31930741; plus strand). Cytogenetic location: 6p21.33.
Variant type: single nucleotide variant.
Coding change: c.1131C>T on transcript NM_006929.5 (MANE Select); coding-DNA position 1131, C replaced by T.
Protein change: p.Phe377=; no amino-acid change (phenylalanine 377 retained).
Molecular consequence: synonymous variant.
Genome position (GRCh38, 1-based): chr6:31,962,505, C>T. VCF-style: chr6-31962505-C-T. GRCh37 (hg19) VCF-style: chr6-31930282-C-T.
Identifiers: ClinVar variation 2417687 (VCV002417687.14), dbSNP rs768322046, ClinGen allele CA3729364.

ClinVar aggregate classification (germline): Likely benign. Review status: criteria provided, multiple submitters, no conflicts (2 of 4 stars). 3 submissions from 3 submitters: Likely benign (3). Last evaluated 2025-07-30.

Allele frequency attached by ClinVar (database versions not stated): ExAC 0.00001; gnomAD exomes 0.00002; TOPMed 0.00002.
gnomAD v4.1: 28 of 1,614,070 alleles (0.0017%); highest among the groups gnomAD compares: Middle Eastern, 0.016%; no homozygotes.

Submissions (3):

Labcorp Genetics (formerly Invitae), Labcorp
Classification: Likely benign. Last evaluated: 2025-07-30. Review status: criteria provided, single submitter. Criteria: Invitae Variant Classification Sherloc (09022015). Collection method: clinical testing. Allele origin: germline.

CeGaT Center for Human Genetics Tuebingen
Classification: Likely benign. Last evaluated: 2025-07-01. Review status: criteria provided, single submitter. Criteria: CeGaT Center For Human Genetics Tuebingen Variant Classification Criteria Version 2. Collection method: clinical testing. Allele origin: germline. Affected: yes. Observed: 1 variant allele.
Comment: SKIC2: BP4, BP7

Blueprint Genetics
Classification: Likely benign. Last evaluated: 2022-03-21. Review status: criteria provided, single submitter. Criteria: ACMG Guidelines, 2015. Collection method: clinical testing. Allele origin: germline.